The following is an entry in ClinVar:

ClinVar aggregate classification (germline): Conflicting classifications of pathogenicity. Review status: criteria provided, conflicting classifications (1 of 4 stars). 7 submissions from 7 submitters: Uncertain significance (1); Likely benign (5). 1 of the submissions does not count toward it. Last evaluated 2025-08-12.

Conditions:
Usher syndrome, type 1M. Identifiers: MedGen C5231434, MONDO:0032841, OMIM 618632.
Autosomal recessive nonsyndromic hearing loss 36. Also called: Deafness, autosomal recessive 36; DEAFNESS, AUTOSOMAL RECESSIVE 36, WITH VESTIBULAR INVOLVEMENT. Identifiers: Orphanet 90636, MedGen C1837007, MONDO:0012170, OMIM 609006.
ESPN-related disorder. Also called: ESPN-related condition.

Submissions (7):

Labcorp Genetics (formerly Invitae), Labcorp
Classification: Likely benign. Last evaluated: 2025-08-12. Review status: criteria provided, single submitter. Criteria: Invitae Variant Classification Sherloc (09022015). Collection method: clinical testing. Allele origin: germline.

Blueprint Genetics
Classification: Likely benign. Last evaluated: 2024-11-26. Review status: criteria provided, single submitter. Criteria: ACMG Guidelines, 2015. Collection method: clinical testing. Allele origin: germline.

Mayo Clinic Laboratories, Mayo Clinic
Classification: Likely benign. Last evaluated: 2024-11-06. Review status: criteria provided, single submitter. Criteria: ACMG Guidelines, 2015. Collection method: clinical testing. Allele origin: germline. Observed: 1 variant allele.
Comment: BS1, BP4

GeneDx
Classification: Likely benign. Last evaluated: 2022-07-30. Review status: criteria provided, single submitter. Criteria: GeneDx Variant Classification Process June 2021. Collection method: clinical testing. Allele origin: germline. Affected: yes.
Comment: See Variant Classification Assertion Criteria.

Department of Pathology and Laboratory Medicine, Sinai Health System
Classification: Uncertain significance for Autosomal recessive nonsyndromic hearing loss 36; Usher syndrome, type 1M. Last evaluated: 2022-04-08. Review status: criteria provided, single submitter. Criteria: ACMG Guidelines, 2015. Collection method: research. Allele origin: germline.

Fulgent Genetics
Classification: Likely benign for Autosomal recessive nonsyndromic hearing loss 36; Usher syndrome, type 1M. Last evaluated: 2021-12-22. Review status: criteria provided, single submitter. Criteria: ACMG Guidelines, 2015. Collection method: clinical testing. Allele origin: unknown.

PreventionGenetics, part of Exact Sciences
Classification: Likely benign for ESPN-related condition. Last evaluated: 2020-05-21. Review status: no assertion criteria provided. Collection method: clinical testing. Allele origin: germline. Not counted in ClinVar's aggregate classification.
Comment: This variant is classified as likely benign based on ACMG/AMP sequence variant interpretation guidelines (Richards et al. 2015 PMID: 25741868, with internal and published modifications).

NM_031475.3(ESPN):c.1803GCC[5] (p.Pro605dup)

Gene: ESPN (espin; plus strand). Cytogenetic location: 1p36.31.
Variant type: Microsatellite.
Coding change: c.1803GCC[5] on transcript NM_031475.3 (MANE Select); five copies in a row of the 3-base unit GCC starting at c.1803; the reference has four copies in a row; one copy, 3 bases duplicated; also written c.1812_1814dup.
Protein change: p.Pro605dup; duplicates proline 605.
Molecular consequence: inframe insertion.
Genome position (GRCh38, 1-based): chr1:6,448,988-6,448,990, GCC duplicated; duplicating any 3 consecutive bases within chr1:6,448,977-6,448,990 gives the same sequence; the position shown is the placement nearest the transcript's 3' end. VCF-style (leftmost placement, unchanged base first): chr1-6448976-A-ACCG. GRCh37 (hg19) VCF-style: chr1-6509036-A-ACCG.
Other names: p.Pro605dup; c.1812_1814dupGCC (NM_031475.2); c.1713GCC[5], p.Pro575dup (NM_001367473.1, NM_001367474.1); c.1812_1814dup (NM_031475.3).
Identifiers: ClinVar variation 1219107 (VCV001219107.18), dbSNP rs761087054, ClinGen allele CA560290.
Genomic context (GRCh38, chr1:6,448,976, plus strand): 5'-TGTTCCTAACGGCTGCGCCGCGGACCCCAAGGCGTCCAGGGAGCTGCCACCGCCGCCCCC[A>ACCG]CCGCCGCCGCCGCCCCTGCCGGAGGCCGCGAGTTCGCCACCGCCGGCCCCGCCTCTGCCC-3'